The following is an entry in ClinVar:

ClinVar aggregate classification (germline): Conflicting classifications of pathogenicity. Review status: criteria provided, conflicting classifications (1 of 4 stars). 3 submissions from 3 submitters: Uncertain significance (1); Likely benign (2). Last evaluated 2025-07-29.

Conditions:
Hereditary cancer-predisposing syndrome. Also called: Hereditary neoplastic syndrome; Tumor predisposition; Hereditary Cancer Syndrome; Neoplastic Syndromes, Hereditary. Identifiers: Orphanet 140162, MedGen C0027672, MeSH D009386, MONDO:0015356.
Familial adenomatous polyposis 1 (FAP1). Also called: FAMILIAL ADENOMATOUS POLYPOSIS 1, ATTENUATED; POLYPOSIS, ADENOMATOUS INTESTINAL. Identifiers: MedGen C2713442, MONDO:0021056, OMIM 175100. Disease mechanism: loss of function.

gnomAD v4.1: 1 of 1,612,816 alleles (0.000062%); highest among the groups gnomAD compares: Non-Finnish European, 0.000085%; no homozygotes.

Submissions (3):

Color Diagnostics, LLC DBA Color Health
Classification: Uncertain significance for Hereditary cancer-predisposing syndrome. Last evaluated: 2025-07-29. Review status: criteria provided, single submitter. Criteria: ACMG Guidelines, 2015. Collection method: clinical testing. Allele origin: germline.
Comment: This variant is a synonymous variant in exon 15 of the APC protein. To our knowledge, RNA studies have not been reported for this variant. This variant has been reported in individuals being evaluated for familial adenomatous polyposis (PMID: 23159591). This variant has been identified in 1/250814 chromosomes in the general population by the Genome Aggregation Database (gnomAD). The available evidence is insufficient to determine the role of this variant in disease conclusively. Therefore, this variant is classified as a Variant of Uncertain Significance.

Labcorp Genetics (formerly Invitae), Labcorp
Classification: Likely benign for Familial adenomatous polyposis 1. Last evaluated: 2022-10-31. Review status: criteria provided, single submitter. Criteria: Invitae Variant Classification Sherloc (09022015). Collection method: clinical testing. Allele origin: germline.

Ambry Genetics
Classification: Likely benign for Hereditary cancer-predisposing syndrome. Last evaluated: 2021-11-22. Review status: criteria provided, single submitter. Criteria: Ambry Variant Classification Scheme 2023. Collection method: clinical testing. Allele origin: germline.

Literature cited by the submitters: PubMed 23159591 (cited by Color Diagnostics, LLC DBA Color Health and Ambry Genetics).

NM_000038.6(APC):c.2031C>G (p.Val677=)

Gene: APC (APC regulator of Wnt signaling pathway; plus strand). Cytogenetic location: 5q22.2.
Variant type: single nucleotide variant.
Coding change: c.2031C>G on transcript NM_000038.6 (MANE Select); coding-DNA position 2031, C replaced by G.
Protein change: p.Val677=; no amino-acid change (valine 677 retained).
Molecular consequence: synonymous variant.
Genome position (GRCh38, 1-based): chr5:112,837,625, C>G. VCF-style: chr5-112837625-C-G. GRCh37 (hg19) VCF-style: chr5-112173322-C-G.
Other names: c.2031C>G, p.Val677= (NM_001127510.3, NM_001354895.2); c.1977C>G, p.Val659= (NM_001127511.3); c.2085C>G, p.Val695= (NM_001354896.2); c.2061C>G, p.Val687= (NM_001354897.2); c.1956C>G, p.Val652= (NM_001354898.2); c.1947C>G, p.Val649= (NM_001354899.2); c.1908C>G, p.Val636= (NM_001354900.2); c.1854C>G, p.Val618= (NM_001354901.2); and 5 more.
Identifiers: ClinVar variation 733258 (VCV000733258.9), dbSNP rs769363082, ClinGen allele CA030622.